The following is an entry in ClinVar:

NM_012470.4(TNPO3):c.1516T>G (p.Leu506Val)

Gene: TNPO3 (transportin 3; minus strand). Cytogenetic location: 7q32.1.
Variant type: single nucleotide variant.
Coding change: c.1516T>G on transcript NM_012470.4 (MANE Select); coding-DNA position 1516, T replaced by G.
Protein change: p.Leu506Val; replaces leucine 506 with valine.
Molecular consequence: missense variant. On other transcripts: non-coding transcript variant (18), intron variant (2).
Genome position (GRCh38, 1-based): chr7:128,986,903, A>C on the plus strand (T>G on the coding strand, the complement: TNPO3 is on the minus strand). VCF-style: chr7-128986903-A-C. GRCh37 (hg19) VCF-style: chr7-128626957-A-C.
Other names: c.1618T>G, p.Leu540Val (NM_001382216.1); c.1597T>G, p.Leu533Val (NM_001382217.1); c.1516T>G, p.Leu506Val (NM_001382218.1, NM_001382220.1); c.1408T>G, p.Leu470Val (NM_001382219.1); c.1372T>G, p.Leu458Val (NM_001382221.1); c.1369T>G, p.Leu457Val (NM_001382222.1); c.1499-2644T>G (NM_001382223.1, NM_001191028.3); short protein forms L457V, L458V, L470V, L506V, L533V, L540V.
Identifiers: ClinVar variation 4685418 (VCV004685418.1).

ClinVar aggregate classification (germline): Uncertain significance (1 of 4 stars; one submission).

Submission:

GeneDx
Classification: Uncertain significance. Last evaluated: 2025-07-07. Review status: criteria provided, single submitter. Criteria: GeneDx Variant Classification Process June 2021. Collection method: clinical testing. Allele origin: germline. Affected: yes.
Comment: Not observed at significant frequency in large population cohorts (gnomAD); In silico analysis suggests that this missense variant does not alter protein structure/function; Has not been previously published as pathogenic or benign to our knowledge